The following is an entry in ClinVar:

NM_030777.4(SLC2A10):c.322G>A (p.Val108Ile)

Gene: SLC2A10 (solute carrier family 2 member 10; plus strand). Cytogenetic location: 20q13.12.
Variant type: single nucleotide variant.
Coding change: c.322G>A on transcript NM_030777.4 (MANE Select); coding-DNA position 322, G replaced by A.
Protein change: p.Val108Ile; replaces valine 108 with isoleucine.
Molecular consequence: missense variant.
Genome position (GRCh38, 1-based): chr20:46,725,358, G>A. VCF-style: chr20-46725358-G-A. GRCh37 (hg19) VCF-style: chr20-45353997-G-A.
Other names: p.Val108Ile; short protein forms V108I.
Identifiers: ClinVar variation 409250 (VCV000409250.62), dbSNP rs373375540, ClinGen allele CA9891955.

ClinVar aggregate classification (germline): Conflicting classifications of pathogenicity. Review status: criteria provided, conflicting classifications (1 of 4 stars). 9 submissions from 9 submitters: Uncertain significance (8); Likely benign (1). Last evaluated 2026-08-11.

Conditions:
Familial thoracic aortic aneurysm and aortic dissection (TAAD). Also called: Thoracic aortic aneurysms and dissections. Identifiers: Orphanet 91387, MedGen C4707243, MONDO:0019625.
Arterial tortuosity syndrome (ATORS). Identifiers: Orphanet 3342, MedGen C1859726, MONDO:0008818, OMIM 208050.

Allele frequency attached by ClinVar (database versions not stated): ESP Exome Variant Server 0.00008; ExAC 0.00003; gnomAD 0.00003; gnomAD exomes 0.00003; TOPMed 0.00003.
gnomAD v4.1: 45 of 1,614,124 alleles (0.0028%); highest among the groups gnomAD compares: South Asian, 0.0088%; no homozygotes.

Submissions (9):

GeneDx
Classification: Uncertain significance. Last evaluated: 2026-08-11. Review status: criteria provided, single submitter. Criteria: GeneDx Variant Classification Process June 2021. Collection method: clinical testing. Allele origin: germline.
Comment: Has not been previously published as pathogenic or benign to our knowledge; Not observed at significant frequency in large population cohorts (gnomAD); In silico analysis suggests that this missense variant does not alter protein structure/function

Ambry Genetics
Classification: Likely benign for Familial thoracic aortic aneurysm and aortic dissection. Last evaluated: 2024-12-17. Review status: criteria provided, single submitter. Criteria: Ambry Variant Classification Scheme 2023. Collection method: clinical testing. Allele origin: germline.

Women's Health and Genetics/Laboratory Corporation of America, LabCorp
Classification: Uncertain significance. Last evaluated: 2024-09-29. Review status: criteria provided, single submitter. Criteria: LabCorp Variant Classification Summary - May 2015. Collection method: clinical testing. Allele origin: germline.

Mayo Clinic Laboratories, Mayo Clinic
Classification: Uncertain significance. Last evaluated: 2022-12-14. Review status: criteria provided, single submitter. Criteria: ACMG Guidelines, 2015. Collection method: clinical testing. Allele origin: germline. Observed: 1 variant allele.
Comment: BP4

CHEO Genetics Diagnostic Laboratory, Children's Hospital of Eastern Ontario
Classification: Uncertain significance for Familial thoracic aortic aneurysm and aortic dissection. Last evaluated: 2022-11-29. Review status: criteria provided, single submitter. Criteria: ACMG Guidelines, 2015. Collection method: clinical testing. Allele origin: germline.

Labcorp Genetics (formerly Invitae), Labcorp
Classification: Uncertain significance for Arterial tortuosity syndrome. Last evaluated: 2022-01-19. Review status: criteria provided, single submitter. Criteria: Invitae Variant Classification Sherloc (09022015). Collection method: clinical testing. Allele origin: germline.
Comment: This sequence change replaces valine, which is neutral and non-polar, with isoleucine, which is neutral and non-polar, at codon 108 of the SLC2A10 protein (p.Val108Ile). This variant is present in population databases (rs373375540, gnomAD 0.01%). This variant has not been reported in the literature in individuals affected with SLC2A10-related conditions. ClinVar contains an entry for this variant (Variation ID: 409250). Advanced modeling of protein sequence and biophysical properties (such as structural, functional, and spatial information, amino acid conservation, physicochemical variation, residue mobility, and thermodynamic stability) performed at Invitae indicates that this missense variant is not expected to disrupt SLC2A10 protein function. In summary, the available evidence is currently insufficient to determine the role of this variant in disease. Therefore, it has been classified as a Variant of Uncertain Significance.

Fulgent Genetics
Classification: Uncertain significance for Arterial tortuosity syndrome. Last evaluated: 2021-12-15. Review status: criteria provided, single submitter. Criteria: ACMG Guidelines, 2015. Collection method: clinical testing. Allele origin: unknown.

Center for Genomics, Ann and Robert H. Lurie Children's Hospital of Chicago
Classification: Uncertain significance for Arterial tortuosity syndrome. Last evaluated: 2021-03-30. Review status: criteria provided, single submitter. Criteria: ACMG Guidelines, 2015. Collection method: clinical testing. Allele origin: germline.
Comment: SCL2A10 NM_030777.3 exon 2 p.Val108Ile (c.322G>A): This variant has not been reported in the literature but is present in 0.007% (5/68034) of European alleles in the Genome Aggregation Database. This variant is present in ClinVar (Variation ID:409250). This variant amino acid Isoleucine (Ile) is present in several species and is not well conserved among evolutionarily distant species; this suggests that this variant may not impact the protein. Additional computational prediction tools do not suggest an impact. In summary, data on this variant is insufficient for disease classification. Therefore, the clinical significance of this variant is uncertain.

CeGaT Center for Human Genetics Tuebingen
Classification: Uncertain significance. Last evaluated: 2019-04-01. Review status: criteria provided, single submitter. Criteria: CeGaT Center For Human Genetics Tuebingen Variant Classification Criteria Version 2. Collection method: clinical testing. Allele origin: germline. Affected: yes. Observed: 1 variant allele.